The following is an entry in ClinVar:

ClinVar aggregate classification (germline): Likely benign (1 of 4 stars; one submission).

Submission:

CeGaT Center for Human Genetics Tuebingen
Classification: Likely benign. Last evaluated: 2025-05-01. Review status: criteria provided, single submitter. Criteria: CeGaT Center For Human Genetics Tuebingen Variant Classification Criteria Version 2. Collection method: clinical testing. Allele origin: germline. Affected: yes. Observed: 1 variant allele.
Comment: GGT2P: BP4, BP7

NR_172944.1(GGT2):n.1647C>T

Gene: GGT2 (gamma-glutamyltransferase 2; minus strand). Cytogenetic location: 22q11.21.
Variant type: single nucleotide variant.
Molecular consequence: non-coding transcript variant (on NR_172944.1).
Genome position: GRCh38 VCF-style: chr22-21213167-G-A. GRCh37 (hg19) VCF-style: chr22-21567456-G-A.
Identifiers: ClinVar variation 3905401 (VCV003905401.10).